The following is an entry in ClinVar:

ClinVar aggregate classification (germline): Conflicting classifications of pathogenicity. Review status: criteria provided, conflicting classifications (1 of 4 stars). 2 submissions from 2 submitters: Pathogenic (1); Uncertain significance (1). Last evaluated 2022-06-02.

Conditions:
Progressive myoclonic epilepsy type 3. Also called: EPILEPSY, PROGRESSIVE MYOCLONIC, 3, WITH OR WITHOUT INTRACELLULAR INCLUSIONS; CEROID LIPOFUSCINOSIS, NEURONAL, 14; EPILEPSY, PROGRESSIVE MYOCLONIC, 3, WITHOUT INTRACELLULAR INCLUSIONS; KCTD7-Related Progressive Myoclonic Epilepsy. Identifiers: Orphanet 263516, MedGen C2673257, MONDO:0012721, OMIM 611726.

Allele frequency attached by ClinVar (database versions not stated): gnomAD exomes below 0.00001; TOPMed below 0.00001; gnomAD 0.00001.
gnomAD v4.1: 2 of 1,613,938 alleles (0.00012%); highest among the groups gnomAD compares: Non-Finnish European, 0.00017%; no homozygotes.

Submissions (2):

Labcorp Genetics (formerly Invitae), Labcorp
Classification: Uncertain significance for Progressive myoclonic epilepsy type 3. Last evaluated: 2022-06-02. Review status: criteria provided, single submitter. Criteria: Invitae Variant Classification Sherloc (09022015). Collection method: clinical testing. Allele origin: germline.
Comment: This variant is present in population databases (no rsID available, gnomAD 0.007%). In summary, the available evidence is currently insufficient to determine the role of this variant in disease. Therefore, it has been classified as a Variant of Uncertain Significance. This variant disrupts the p.Arg94 amino acid residue in KCTD7. Other variant(s) that disrupt this residue have been determined to be pathogenic (PMID: 22606975, 22693283, 27742667, 34866617). This suggests that this residue is clinically significant, and that variants that disrupt this residue are likely to be disease-causing. Algorithms developed to predict the effect of missense changes on protein structure and function are either unavailable or do not agree on the potential impact of this missense change (SIFT: "Deleterious"; PolyPhen-2: "Probably Damaging"; Align-GVGD: "Class C0"). This variant has not been reported in the literature in individuals affected with KCTD7-related conditions. This sequence change replaces arginine, which is basic and polar, with glutamine, which is neutral and polar, at codon 94 of the KCTD7 protein (p.Arg94Gln).

Mendelics
Classification: Pathogenic for Progressive myoclonic epilepsy type 3. Last evaluated: 2022-05-04. Review status: criteria provided, single submitter. Criteria: Mendelics Assertion Criteria 2019. Collection method: clinical testing. Allele origin: germline.

Literature cited by the submitters: PubMed 22606975 (cited by Labcorp Genetics (formerly Invitae), Labcorp); PubMed 22693283 (cited by Labcorp Genetics (formerly Invitae), Labcorp); PubMed 27742667 (cited by Labcorp Genetics (formerly Invitae), Labcorp); PubMed 34866617 (cited by Labcorp Genetics (formerly Invitae), Labcorp).

NM_153033.5(KCTD7):c.281G>A (p.Arg94Gln)

Gene: KCTD7 (potassium channel tetramerization domain containing 7; plus strand). Cytogenetic location: 7q11.21.
Variant type: single nucleotide variant.
Coding change: c.281G>A on transcript NM_153033.5 (MANE Select); coding-DNA position 281, G replaced by A.
Protein change: p.Arg94Gln; replaces arginine 94 with glutamine.
Molecular consequence: missense variant.
Genome position (GRCh38, 1-based): chr7:66,633,411, G>A. VCF-style: chr7-66633411-G-A. GRCh37 (hg19) VCF-style: chr7-66098398-G-A.
Other names: c.281G>A, p.Arg94Gln (NM_001167961.2); short protein forms R94Q.
Identifiers: ClinVar variation 1685903 (VCV001685903.6), dbSNP rs984651812, ClinGen allele CA160219747.